The following is an entry in ClinVar:

NM_207352.4(CYP4V2):c.*2106G>T

Genes: CYP4V2 (cytochrome P450 family 4 subfamily V member 2; plus strand), KLKB1 (kallikrein B1; plus strand). Cytogenetic location: 4q35.2.
Variant type: single nucleotide variant.
Coding change: c.*2106G>T on transcript NM_207352.4 (MANE Select); 2106 bases downstream of the stop codon, G replaced by T.
Molecular consequence: 3 prime UTR variant.
Genome position (GRCh38, 1-based): chr4:186,212,747, G>T. VCF-style: chr4-186212747-G-T. GRCh37 (hg19) VCF-style: chr4-187133901-G-T.
Identifiers: ClinVar variation 348361 (VCV000348361.5), dbSNP rs72646302, ClinGen allele CA10620654.

ClinVar aggregate classification (germline): Benign/Likely benign. Review status: criteria provided, single submitter (1 of 4 stars). 2 submissions from 1 submitter: Benign (1); Likely benign (1). Last evaluated 2018-01-13.

Conditions:
Corneal dystrophy. Identifiers: Orphanet 34533, MedGen C0010036, MONDO:0018102, HP:0001131.
Bietti crystalline corneoretinal dystrophy (BCD). Also called: Bietti Crystalline Dystrophy; BIETTI TAPETORETINAL DEGENERATION WITH MARGINAL CORNEAL DYSTROPHY. Identifiers: Orphanet 41751, MedGen C1859486, MONDO:0008865, OMIM 210370.

Allele frequency attached by ClinVar (database versions not stated): gnomAD 0.00997 and 0.01061; TOPMed 0.01100; 1000 Genomes Project 30x 0.01280; 1000 Genomes Project 0.01338.

Submissions (2):

Illumina Laboratory Services, Illumina
Classification: Likely benign for Corneal dystrophy. Last evaluated: 2018-01-13. Review status: criteria provided, single submitter. Criteria: ICSL Variant Classification Criteria 13 December 2019. Collection method: clinical testing. Allele origin: germline.
Comment: This variant was observed in the ICSL laboratory as part of a predisposition screen in an ostensibly healthy population. It had not been previously curated by ICSL or reported in the Human Gene Mutation Database (HGMD: prior to June 1st, 2018), and was therefore a candidate for classification through an automated scoring system. Utilizing variant allele frequency, disease prevalence and penetrance estimates, and inheritance mode, an automated score was calculated to assess if this variant is too frequent to cause the disease. Based on the score and internal cut-off values, a variant classified as likely benign is not then subjected to further curation. The score for this variant resulted in a classification of likely benign for this disease.

Illumina Laboratory Services, Illumina
Classification: Benign for Bietti crystalline corneoretinal dystrophy. Last evaluated: 2018-01-13. Review status: criteria provided, single submitter. Criteria: ICSL Variant Classification Criteria 13 December 2019. Collection method: clinical testing. Allele origin: germline.
Comment: This variant was observed in the ICSL laboratory as part of a predisposition screen in an ostensibly healthy population. It had not been previously curated by ICSL or reported in the Human Gene Mutation Database (HGMD: prior to June 1st, 2018), and was therefore a candidate for classification through an automated scoring system. Utilizing variant allele frequency, disease prevalence and penetrance estimates, and inheritance mode, an automated score was calculated to assess if this variant is too frequent to cause the disease. Based on the score and internal cut-off values, a variant classified as benign is not then subjected to further curation. The score for this variant resulted in a classification of benign for this disease.